The following is an entry in ClinVar:

ClinVar aggregate classification (germline): Uncertain significance (1 of 4 stars; one submission).

Allele frequency attached by ClinVar (database versions not stated): gnomAD exomes below 0.00001 and 0.00001; TOPMed below 0.00001.
gnomAD v4.1: 5 of 1,575,950 alleles (0.00032%); highest among the groups gnomAD compares: East Asian, 0.0045%; no homozygotes.

Submission:

Labcorp Genetics (formerly Invitae), Labcorp
Classification: Uncertain significance. Last evaluated: 2024-10-28. Review status: criteria provided, single submitter. Criteria: Invitae Variant Classification Sherloc (09022015). Collection method: clinical testing. Allele origin: germline.
Comment: This sequence change replaces valine, which is neutral and non-polar, with methionine, which is neutral and non-polar, at codon 597 of the ATP8A2 protein (p.Val597Met). This variant is present in population databases (no rsID available, gnomAD 0.006%). This variant has not been reported in the literature in individuals affected with ATP8A2-related conditions. ClinVar contains an entry for this variant (Variation ID: 1508954). Invitae Evidence Modeling of protein sequence and biophysical properties (such as structural, functional, and spatial information, amino acid conservation, physicochemical variation, residue mobility, and thermodynamic stability) indicates that this missense variant is not expected to disrupt ATP8A2 protein function with a negative predictive value of 80%. In summary, the available evidence is currently insufficient to determine the role of this variant in disease. Therefore, it has been classified as a Variant of Uncertain Significance.

NM_016529.6(ATP8A2):c.1789G>A (p.Val597Met)

Gene: ATP8A2 (ATPase phospholipid transporting 8A2). Cytogenetic location: 13q12.13.
Variant type: single nucleotide variant.
Coding change: c.1789G>A on transcript NM_016529.6 (MANE Select); coding-DNA position 1789, G replaced by A.
Protein change: p.Val597Met; replaces valine 597 with methionine.
Molecular consequence: missense variant.
Genome position (GRCh38, 1-based): chr13:25,578,821, G>A. VCF-style: chr13-25578821-G-A. GRCh37 (hg19) VCF-style: chr13-26152959-G-A.
Other names: c.1669G>A, p.Val557Met (NM_001313741.1); short protein forms V557M, V597M.
Identifiers: ClinVar variation 1508954 (VCV001508954.6), dbSNP rs946221623, ClinGen allele CA247157879.